The following is an entry in ClinVar:

NM_003482.4(KMT2D):c.486G>A (p.Lys162=)

Gene: KMT2D (lysine methyltransferase 2D; minus strand). Cytogenetic location: 12q13.12.
Variant type: single nucleotide variant.
Coding change: c.486G>A on transcript NM_003482.4 (MANE Select); coding-DNA position 486, G replaced by A.
Protein change: p.Lys162=; no amino-acid change (lysine 162 retained).
Molecular consequence: synonymous variant.
Genome position (GRCh38, 1-based): chr12:49,054,331, C>T on the plus strand (G>A on the coding strand, the complement: KMT2D is on the minus strand). VCF-style: chr12-49054331-C-T. GRCh37 (hg19) VCF-style: chr12-49448114-C-T.
Identifiers: ClinVar variation 1904920 (VCV001904920.7), dbSNP rs761901471, ClinGen allele CA6548722.

ClinVar aggregate classification (germline): Benign. Review status: criteria provided, single submitter (1 of 4 stars). 2 submissions from 2 submitters: Benign (1). 1 of the submissions does not count toward it. Last evaluated 2025-06-30.

Conditions:
Kabuki syndrome. Also called: NIIKAWA-KUROKI SYNDROME; Kabuki make-up syndrome. Identifiers: Orphanet 2322, MedGen C0796004, MONDO:0016512.
KMT2D-related disorder. Also called: KMT2D-Related Disorders.

Allele frequency attached by ClinVar (database versions not stated): gnomAD exomes below 0.00001; TOPMed below 0.00001; gnomAD 0.00001; ExAC 0.00002.
gnomAD v4.1: 5 of 1,595,716 alleles (0.00031%); highest among the groups gnomAD compares: Admixed American, 0.0035%; no homozygotes.

Submissions (2):

Labcorp Genetics (formerly Invitae), Labcorp
Classification: Benign for Kabuki syndrome. Last evaluated: 2025-06-30. Review status: criteria provided, single submitter. Criteria: Invitae Variant Classification Sherloc (09022015). Collection method: clinical testing. Allele origin: germline.

PreventionGenetics, part of Exact Sciences
Classification: Likely benign for KMT2D-related condition. Last evaluated: 2021-07-09. Review status: no assertion criteria provided. Collection method: clinical testing. Allele origin: germline. Not counted in ClinVar's aggregate classification.
Comment: This variant is classified as likely benign based on ACMG/AMP sequence variant interpretation guidelines (Richards et al. 2015 PMID: 25741868, with internal and published modifications).